The following is an entry in ClinVar:

NM_001256007.3(PNPLA8):c.910G>A (p.Gly304Ser)

Gene: PNPLA8 (patatin like domain 8, phospholipase A2; minus strand). Cytogenetic location: 7q31.1.
Variant type: single nucleotide variant.
Coding change: c.910G>A on transcript NM_001256007.3 (MANE Select); coding-DNA position 910, G replaced by A.
Protein change: p.Gly304Ser; replaces glycine 304 with serine.
Molecular consequence: missense variant.
Genome position (GRCh38, 1-based): chr7:108,514,582, C>T on the plus strand (G>A on the coding strand, the complement: PNPLA8 is on the minus strand). VCF-style: chr7-108514582-C-T. GRCh37 (hg19) VCF-style: chr7-108155026-C-T.
Other names: p.Gly304Ser; c.910G>A, p.Gly304Ser (NM_001256008.3, NM_001256009.3, NM_015723.5); c.610G>A, p.Gly204Ser (NM_001256010.3, NM_001256011.3); c.910G>A (NM_015723.2); short protein forms G304S, G204S.
Identifiers: ClinVar variation 1451050 (VCV001451050.5), dbSNP rs147242147, ClinGen allele CA4439727.

ClinVar aggregate classification (germline): Conflicting classifications of pathogenicity. Review status: criteria provided, conflicting classifications (1 of 4 stars). 3 submissions from 3 submitters: Uncertain significance (2); Likely benign (1). Last evaluated 2025-08-28.

Conditions:
Inborn genetic diseases. Identifiers: MedGen C0950123, MeSH D030342.

Allele frequency attached by ClinVar (database versions not stated): gnomAD exomes 0.00012; TOPMed 0.00056; ESP Exome Variant Server 0.00062; gnomAD 0.00059 and 0.00064; 1000 Genomes Project 30x 0.00062; ExAC 0.00016; 1000 Genomes Project 0.00080.

Submissions (3):

Mayo Clinic Laboratories, Mayo Clinic
Classification: Uncertain significance. Last evaluated: 2025-08-28. Review status: criteria provided, single submitter. Criteria: ACMG Guidelines, 2015. Collection method: clinical testing. Allele origin: germline. Observed: 1 variant allele.
Comment: BS1

Ambry Genetics
Classification: Likely benign for Inborn genetic diseases. Last evaluated: 2024-02-27. Review status: criteria provided, single submitter. Criteria: Ambry Variant Classification Scheme 2023. Collection method: clinical testing. Allele origin: germline.

Labcorp Genetics (formerly Invitae), Labcorp
Classification: Uncertain significance. Last evaluated: 2022-04-10. Review status: criteria provided, single submitter. Criteria: Invitae Variant Classification Sherloc (09022015). Collection method: clinical testing. Allele origin: germline.
Comment: This sequence change replaces glycine, which is neutral and non-polar, with serine, which is neutral and polar, at codon 304 of the PNPLA8 protein (p.Gly304Ser). This variant is present in population databases (rs147242147, gnomAD 0.2%). This variant has not been reported in the literature in individuals affected with PNPLA8-related conditions. Algorithms developed to predict the effect of missense changes on protein structure and function (SIFT, PolyPhen-2, Align-GVGD) all suggest that this variant is likely to be tolerated. In summary, the available evidence is currently insufficient to determine the role of this variant in disease. Therefore, it has been classified as a Variant of Uncertain Significance.